The following is an entry in ClinVar:

ClinVar aggregate classification (germline): Likely benign (1 of 4 stars; one submission).

Submission:

CeGaT Center for Human Genetics Tuebingen
Classification: Likely benign. Last evaluated: 2026-07-01. Review status: criteria provided, single submitter. Criteria: CeGaT Center For Human Genetics Tuebingen Variant Classification Criteria Version 2. Collection method: clinical testing. Allele origin: germline. Affected: yes. Observed: 4 variant alleles.
Comment: MAPK8IP3: PP3, BS1

NM_001318852.2(MAPK8IP3):c.602+21_602+45del

Gene: MAPK8IP3 (mitogen-activated protein kinase 8 interacting protein 3; plus strand). Cytogenetic location: 16p13.3.
Variant type: Deletion.
Coding change: c.602+21_602+45del on transcript NM_001318852.2 (MANE Select); bases 21 to 45 of the intron after coding-DNA position 602, 25 bases deleted (TGGAGGTACGCGGGGCGCGGCGGGG).
Molecular consequence: splice donor variant.
Genome position (GRCh38, 1-based): chr16:1,729,599-1,729,623, TGGAGGTACGCGGGGCGCGGCGGGG deleted; deleting any 25 consecutive bases within chr16:1,729,575-1,729,623 gives the same sequence; the c. name uses the placement nearest the transcript's 3' end. VCF-style (leftmost placement, unchanged base first): chr16-1729574-CGGAGGTACGCGGGGCGCGGCGGGGT-C. GRCh37 (hg19) VCF-style: chr16-1779575-CGGAGGTACGCGGGGCGCGGCGGGGT-C.
Other names: c.602+21_602+45del (NM_015133.5, NM_001040439.2).
Identifiers: ClinVar variation 2645909 (VCV002645909.24), dbSNP rs771839993, ClinGen allele CA7816385.